The following is an entry in ClinVar:

ClinVar aggregate classification (germline): Uncertain significance. Review status: criteria provided, multiple submitters, no conflicts (2 of 4 stars). 2 submissions from 2 submitters: Uncertain significance (2). Last evaluated 2025-06-07.

Conditions:
Lymphoproliferative syndrome 2 (LPFS2). Also called: CD27 DEFICIENCY; Combined immunodeficiency due to CD27 deficiency. Identifiers: Orphanet 238505, MedGen C3554540, MONDO:0014054, OMIM 615122.
Inborn genetic diseases. Identifiers: MedGen C0950123, MeSH D030342.

Allele frequency attached by ClinVar (database versions not stated): gnomAD exomes below 0.00001 and 0.00001; TOPMed below 0.00001; ExAC 0.00001; gnomAD 0.00001.

Submissions (2):

Ambry Genetics
Classification: Uncertain significance for Inborn genetic diseases. Last evaluated: 2025-06-07. Review status: criteria provided, single submitter. Criteria: Ambry Variant Classification Scheme 2023. Collection method: clinical testing. Allele origin: germline.

Labcorp Genetics (formerly Invitae), Labcorp
Classification: Uncertain significance for Lymphoproliferative syndrome 2. Last evaluated: 2024-10-29. Review status: criteria provided, single submitter. Criteria: Invitae Variant Classification Sherloc (09022015). Collection method: clinical testing. Allele origin: germline.
Comment: This sequence change replaces arginine, which is basic and polar, with threonine, which is neutral and polar, at codon 155 of the CD27 protein (p.Arg155Thr). This variant is present in population databases (rs778598904, gnomAD 0.0009%). This variant has not been reported in the literature in individuals affected with CD27-related conditions. ClinVar contains an entry for this variant (Variation ID: 1060873). Invitae Evidence Modeling of protein sequence and biophysical properties (such as structural, functional, and spatial information, amino acid conservation, physicochemical variation, residue mobility, and thermodynamic stability) indicates that this missense variant is not expected to disrupt CD27 protein function with a negative predictive value of 80%. In summary, the available evidence is currently insufficient to determine the role of this variant in disease. Therefore, it has been classified as a Variant of Uncertain Significance.

NM_001242.5(CD27):c.464G>C (p.Arg155Thr)

Genes: CD27 (CD27 molecule; plus strand), CD27-AS1 (CD27 antisense RNA 1; minus strand). Cytogenetic location: 12p13.31.
Variant type: single nucleotide variant.
Coding change: c.464G>C on transcript NM_001242.5 (MANE Select); coding-DNA position 464, G replaced by C.
Protein change: p.Arg155Thr; replaces arginine 155 with threonine.
Molecular consequence: missense variant. On other transcripts: non-coding transcript variant (1).
Genome position (GRCh38, 1-based): chr12:6,450,556, G>C. VCF-style: chr12-6450556-G-C. GRCh37 (hg19) VCF-style: chr12-6559722-G-C.
Other names: c.464G>C (NM_001242.4); short protein forms R155T.
Identifiers: ClinVar variation 1060873 (VCV001060873.10), dbSNP rs778598904, ClinGen allele CA6406992.